The following is an entry in ClinVar:

ClinVar aggregate classification (germline): Conflicting classifications of pathogenicity. Review status: criteria provided, conflicting classifications (1 of 4 stars). 3 submissions from 3 submitters: Likely pathogenic (1); Uncertain significance (1). 1 of the submissions does not count toward it. Last evaluated 2024-05-29.

Conditions:
TSC2-related disorder. Also called: TSC2-Related Disorders; TSC2-related condition.
Tuberous sclerosis syndrome (TSC). Also called: Tuberous Sclerosis Complex; Tuberous sclerosis. Identifiers: Orphanet 805, MedGen C0041341, MONDO:0001734.
Tuberous sclerosis 2 (TSC2). Identifiers: Orphanet 805, MedGen C1860707, MONDO:0013199, OMIM 613254.

Submissions (3):

Blueprint Genetics
Classification: Likely pathogenic for TSC2-related disorders. Last evaluated: 2024-05-29. Review status: criteria provided, single submitter. Criteria: ACMG Guidelines, 2015. Collection method: clinical testing. Allele origin: germline. Affected: yes. Observed: 1 variant allele.

Labcorp Genetics (formerly Invitae), Labcorp
Classification: Uncertain significance for Tuberous sclerosis 2. Last evaluated: 2021-01-08. Review status: criteria provided, single submitter. Criteria: Invitae Variant Classification Sherloc (09022015). Collection method: clinical testing. Allele origin: germline.
Comment: This sequence change replaces leucine with proline at codon 493 of the TSC2 protein (p.Leu493Pro). The leucine residue is highly conserved and there is a moderate physicochemical difference between leucine and proline. In summary, the available evidence is currently insufficient to determine the role of this variant in disease. Therefore, it has been classified as a Variant of Uncertain Significance. This variant disrupts the p.Leu493 amino acid residue in TSC2. Other variant(s) that disrupt this residue have been determined to be pathogenic (PMID: 12111193, 29500070, 22903760, Invitae). This suggests that this residue is clinically significant, and that variants that disrupt this residue are likely to be disease-causing. Experimental studies have shown that this variant affects TSC2 protein function (PMID: 22903760). This variant has been observed in individual(s) with clinical features of tuberous sclerosis complex (PMID: 22903760). ClinVar contains an entry for this variant (Variation ID: 65045). This variant is not present in population databases (ExAC no frequency).

Tuberous sclerosis database (TSC2)
No classification provided. Condition: TSC. Review status: no classification provided. Criteria: Tuberous Sclerosis Database Assertion Criteria 2015. Collection method: curation. Allele origin: germline. Affected: yes. Not counted in ClinVar's aggregate classification.

Literature cited by the submitters: PubMed 12111193 (cited by Labcorp Genetics (formerly Invitae), Labcorp); PubMed 29500070 (cited by Labcorp Genetics (formerly Invitae), Labcorp); PubMed 22903760 (cited by Labcorp Genetics (formerly Invitae), Labcorp).

NM_000548.5(TSC2):c.1478T>C (p.Leu493Pro)

Gene: TSC2 (TSC complex subunit 2; plus strand). Cytogenetic location: 16p13.3.
Variant type: single nucleotide variant.
Coding change: c.1478T>C on transcript NM_000548.5 (MANE Select); coding-DNA position 1478, T replaced by C.
Protein change: p.Leu493Pro; replaces leucine 493 with proline.
Molecular consequence: missense variant.
Genome position (GRCh38, 1-based): chr16:2,064,306, T>C. VCF-style: chr16-2064306-T-C. GRCh37 (hg19) VCF-style: chr16-2114307-T-C.
Other names: c.1478T>C, p.Leu493Pro (NM_001077183.3, NM_001114382.3, NM_001363528.2 and 3 more transcripts); c.1367T>C, p.Leu456Pro (NM_001318827.2); c.1331T>C, p.Leu444Pro (NM_001318829.2); c.878T>C, p.Leu293Pro (NM_001318831.2); c.1511T>C, p.Leu504Pro (NM_001318832.2); short protein forms L493P, L293P, L456P, L444P, L504P.
Identifiers: ClinVar variation 65045 (VCV000065045.8), dbSNP rs397515029, ClinGen allele CA014943.